The following is an entry in ClinVar:

NM_001001557.4(GDF6):c.1228A>C (p.Met410Leu)

Gene: GDF6 (growth differentiation factor 6; minus strand). Cytogenetic location: 8q22.1.
Variant type: single nucleotide variant.
Coding change: c.1228A>C on transcript NM_001001557.4 (MANE Select); coding-DNA position 1228, A replaced by C.
Protein change: p.Met410Leu; replaces methionine 410 with leucine.
Molecular consequence: missense variant.
Genome position (GRCh38, 1-based): chr8:96,144,703, T>G on the plus strand (A>C on the coding strand, the complement: GDF6 is on the minus strand). VCF-style: chr8-96144703-T-G. GRCh37 (hg19) VCF-style: chr8-97156931-T-G.
Other names: short protein forms M410L.
Identifiers: ClinVar variation 3367310 (VCV003367310.1).

ClinVar aggregate classification (germline): Uncertain significance (1 of 4 stars; one submission).

Submission:

GeneDx
Classification: Uncertain significance. Last evaluated: 2024-01-04. Review status: criteria provided, single submitter. Criteria: GeneDx Variant Classification Process June 2021. Collection method: clinical testing. Allele origin: germline. Affected: yes.
Comment: Not observed at significant frequency in large population cohorts (gnomAD); In silico analysis supports that this missense variant has a deleterious effect on protein structure/function; Has not been previously published as pathogenic or benign to our knowledge